The following is an entry in ClinVar:

ClinVar aggregate classification (germline): Pathogenic. Review status: criteria provided, single submitter (1 of 4 stars). 2 submissions from 2 submitters: Pathogenic (1). 1 of the submissions does not count toward it. Last evaluated 2025-04-10.

Conditions:
Cohen syndrome (COH1). Also called: Cutis verticis gyrata, retinitis pigmentosa, and sensorineural deafness; PEPPER SYNDROME. Identifiers: Orphanet 193, MedGen C0265223, MONDO:0008999, OMIM 216550.

Allele frequency attached by ClinVar (database versions not stated): gnomAD exomes below 0.00001.

Submissions (2):

Labcorp Genetics (formerly Invitae), Labcorp
Classification: Pathogenic for Cohen syndrome. Last evaluated: 2025-04-10. Review status: criteria provided, single submitter. Criteria: Invitae Variant Classification Sherloc (09022015). Collection method: clinical testing. Allele origin: germline.
Comment: This sequence change creates a premature translational stop signal (p.Gln3339delinsLeu*) in the VPS13B gene. It is expected to result in an absent or disrupted protein product. Loss-of-function variants in VPS13B are known to be pathogenic (PMID: 15141358, 16648375, 20461111). This variant is present in population databases (no rsID available, gnomAD 0.0009%). This variant has not been reported in the literature in individuals affected with VPS13B-related conditions. ClinVar contains an entry for this variant (Variation ID: 553273). Algorithms developed to predict the effect of sequence changes on RNA splicing suggest that this variant may disrupt the consensus splice site. For these reasons, this variant has been classified as Pathogenic.

Counsyl
Classification: Likely pathogenic for Cohen syndrome. Last evaluated: 2017-08-10. Review status: no assertion criteria provided. Collection method: clinical testing. Allele origin: unknown. Not counted in ClinVar's aggregate classification.

Literature cited by the submitters: PubMed 15141358 (cited by Labcorp Genetics (formerly Invitae), Labcorp); PubMed 16648375 (cited by Labcorp Genetics (formerly Invitae), Labcorp); PubMed 20461111 (cited by Labcorp Genetics (formerly Invitae), Labcorp).

NM_152564.5(VPS13B):c.9940_9941insTTT (p.Gln3314delinsLeuTer)

Gene: VPS13B (vacuolar protein sorting 13 homolog B; plus strand). Cytogenetic location: 8q22.2.
Variant type: Insertion.
Coding change: c.9940_9941insTTT on transcript NM_152564.5 (MANE Select); coding-DNA positions 9940 to 9941, TTT inserted.
Protein change: p.Gln3314delinsLeuTer.
Molecular consequence: nonsense.
Genome position: GRCh38 VCF-style: chr8-99835736-C-CTTT. GRCh37 (hg19) VCF-style: chr8-100847964-C-CTTT.
Other names: c.10015_10016insTTT, p.Gln3339delinsLeuTer (NM_017890.5).
Identifiers: ClinVar variation 553273 (VCV000553273.5), dbSNP rs1301330402, ClinGen allele CA583884777.